The following is an entry in ClinVar:

ClinVar aggregate classification (germline): Benign. Review status: criteria provided, multiple submitters, no conflicts (2 of 4 stars). 13 submissions from 13 submitters: Benign (10). 3 of the submissions do not count toward it. Last evaluated 2026-02-04.

Conditions:
Focal segmental glomerulosclerosis 5 (FSGS5). Identifiers: Orphanet 656, MedGen C2750475, MONDO:0013191, OMIM 613237.
Charcot-Marie-Tooth disease dominant intermediate E. Also called: CHARCOT-MARIE-TOOTH NEUROPATHY WITH FOCAL SEGMENTAL GLOMERULONEPHRITIS. Identifiers: Orphanet 93114, MedGen C4302667, MONDO:0013758, OMIM 614455.

Allele frequency attached by ClinVar (database versions not stated): gnomAD exomes 0.76813 and 0.78710; ESP Exome Variant Server 0.79753; gnomAD 0.79907 and 0.79980; ExAC 0.80602; TOPMed 0.81264; 1000 Genomes Project 0.84425; 1000 Genomes Project 30x 0.84666.
gnomAD v4.1: 1,201,217 of 1,556,818 alleles (77%); highest among the groups gnomAD compares: East Asian, 92%; 465,065 homozygotes.

Submissions (13):

Labcorp Genetics (formerly Invitae), Labcorp
Classification: Benign for Charcot-Marie-Tooth disease dominant intermediate E; Focal segmental glomerulosclerosis 5. Last evaluated: 2026-02-04. Review status: criteria provided, single submitter. Criteria: Invitae Variant Classification Sherloc (09022015). Collection method: clinical testing. Allele origin: germline.

Blueprint Genetics
Classification: Benign. Last evaluated: 2024-11-27. Review status: criteria provided, single submitter. Criteria: ACMG Guidelines, 2015. Collection method: clinical testing. Allele origin: germline.

Unidad de Genómica Garrahan, Hospital de Pediatría Garrahan
Classification: Benign. Last evaluated: 2024-07-15. Review status: criteria provided, single submitter. Criteria: ACMG Guidelines, 2015. Collection method: clinical testing. Allele origin: germline. Affected: no. Observed: 91 variant alleles.
Comment: This variant is classified as Benign based on local population frequency. This variant was detected in 98% of patients studied in a panel designed for Epileptic and Developmental Encephalopathy and Progressive Myoclonus Epilepsy. Number of patients: 91. Only high quality variants are reported.

Mayo Clinic Laboratories, Mayo Clinic
Classification: Benign. Last evaluated: 2022-10-27. Review status: criteria provided, single submitter. Criteria: ACMG Guidelines, 2015. Collection method: clinical testing. Allele origin: germline. Observed: 2,347 variant alleles.

Genome-Nilou Lab
Classification: Benign for Charcot-Marie-Tooth disease dominant intermediate E. Last evaluated: 2021-08-19. Review status: criteria provided, single submitter. Criteria: ACMG Guidelines, 2015. Collection method: clinical testing. Allele origin: germline. Affected: no.

Illumina Laboratory Services, Illumina
Classification: Benign for Focal segmental glomerulosclerosis 5. Last evaluated: 2018-01-13. Review status: criteria provided, single submitter. Criteria: ICSL Variant Classification Criteria 13 December 2019. Collection method: clinical testing. Allele origin: germline.
Comment: This variant was observed in the ICSL laboratory as part of a predisposition screen in an ostensibly healthy population. It had not been previously curated by ICSL or reported in the Human Gene Mutation Database (HGMD: prior to June 1st, 2018), and was therefore a candidate for classification through an automated scoring system. Utilizing variant allele frequency, disease prevalence and penetrance estimates, and inheritance mode, an automated score was calculated to assess if this variant is too frequent to cause the disease. Based on the score and internal cut-off values, a variant classified as benign is not then subjected to further curation. The score for this variant resulted in a classification of benign for this disease.

Athena Diagnostics
Classification: Benign. Last evaluated: 2017-04-25. Review status: criteria provided, single submitter. Criteria: Athena Diagnostics Criteria. Collection method: clinical testing. Allele origin: germline.

GeneDx
Classification: Benign. Last evaluated: 2015-12-21. Review status: criteria provided, single submitter. Criteria: GeneDx Variant Classification (06012015). Collection method: clinical testing. Allele origin: germline. Affected: yes.
Comment: This variant is considered likely benign or benign based on one or more of the following criteria: it is a conservative change, it occurs at a poorly conserved position in the protein, it is predicted to be benign by multiple in silico algorithms, and/or has population frequency not consistent with disease.

Breakthrough Genomics
Classification: Benign. Review status: criteria provided, single submitter. Criteria: ACMG Guidelines, 2015. Collection method: not provided. Allele origin: germline. Inheritance: Autosomal dominant inheritance. Affected: yes.

PreventionGenetics, part of Exact Sciences
Classification: Benign. Review status: criteria provided, single submitter. Criteria: ACMG Guidelines, 2015. Collection method: clinical testing. Allele origin: germline.

Clinical Genetics, Academic Medical Center
Classification: Benign. Review status: no assertion criteria provided. Collection method: clinical testing. Allele origin: germline. Affected: yes. Study: VKGL Data-share Consensus. Not counted in ClinVar's aggregate classification.

Diagnostic Laboratory, Department of Genetics, University Medical Center Groningen
Classification: Benign. Review status: no assertion criteria provided. Collection method: clinical testing. Allele origin: germline. Affected: yes. Study: VKGL Data-share Consensus. Not counted in ClinVar's aggregate classification.

Joint Genome Diagnostic Labs from Nijmegen and Maastricht, Radboudumc and MUMC+
Classification: Benign. Review status: no assertion criteria provided. Collection method: clinical testing. Allele origin: germline. Affected: yes. Study: VKGL Data-share Consensus. Not counted in ClinVar's aggregate classification.

NM_022489.4(INF2):c.3066T>C (p.Asp1022=)

Gene: INF2 (inverted formin 2; plus strand). Cytogenetic location: 14q32.33.
Variant type: single nucleotide variant.
Coding change: c.3066T>C on transcript NM_022489.4 (MANE Select); coding-DNA position 3066, T replaced by C.
Protein change: p.Asp1022=; no amino-acid change (aspartic acid 1022 retained).
Molecular consequence: synonymous variant.
Genome position (GRCh38, 1-based): chr14:104,714,228, T>C. VCF-style: chr14-104714228-T-C. GRCh37 (hg19) VCF-style: chr14-105180565-T-C.
Other names: p.Asp1022=; c.3066T>C, p.Asp1022= (NM_001031714.4).
Identifiers: ClinVar variation 261613 (VCV000261613.28), dbSNP rs4983535, ClinGen allele CA7373171.